The following is an entry in ClinVar:

NM_000540.3(RYR1):c.2911del (p.Asp970_Leu971insTer)

Gene: RYR1 (ryanodine receptor 1; plus strand). Cytogenetic location: 19q13.2.
Variant type: Deletion.
Coding change: c.2911del on transcript NM_000540.3 (MANE Select); coding-DNA position 2911, one base deleted (C; older notation c.2911delC).
Protein change: p.Asp970_Leu971insTer.
Molecular consequence: nonsense.
Genome position (GRCh38, 1-based): chr19:38,466,131, C deleted; the last of 2 consecutive C bases (chr19:38,466,130-38,466,131); deleting either gives the same sequence. VCF-style (leftmost placement, unchanged base first): chr19-38466129-AC-A. GRCh37 (hg19) VCF-style: chr19-38956769-AC-A.
Other names: c.2911del, p.Asp970_Leu971insTer (NM_001042723.2).
Identifiers: ClinVar variation 4757303 (VCV004757303.1).

ClinVar aggregate classification (germline): Uncertain significance (1 of 4 stars; one submission).

Conditions:
Malignant hyperthermia, susceptibility to, 1 (MHS1). Also called: RYR1-Related Malignant Hyperthermia Susceptibility; Malignant hyperthermia suceptibility 1; Anesthesia related hyperthermia; Malignant hyperpyrexia; Fulminating hyperpyrexia; Pharmacogenic myopathy. Identifiers: Orphanet 423, MedGen C2930980, MONDO:0007783, OMIM 145600.

Submission:

Color Diagnostics, LLC DBA Color Health
Classification: Uncertain significance for Malignant hyperthermia, susceptibility to, 1. Last evaluated: 2025-06-24. Review status: criteria provided, single submitter. Criteria: ACMG Guidelines, 2015. Collection method: clinical testing. Allele origin: germline.
Comment: This variant deletes 1 nucleotide in exon 24/106 of the RYR1 gene, creating a frameshift and premature translation stop signal. This variant is expected to result in an absent or non-functional protein product. To our knowledge, this variant has not been reported in individuals affected with RYR1-related disorders in the literature. This variant has not been identified in the general population by the Genome Aggregation Database (gnomAD). Loss of RYR1 function due to truncation variants is not an established disease mechanism for autosomal dominant malignant hyperthermia, although it is associated with other phenotype(s). Therefore, this variant is classified as a Variant of Uncertain Significance for autosomal dominant malignant hyperthermia.